The following is an entry in ClinVar:

ClinVar aggregate classification (germline): Uncertain significance (1 of 4 stars; one submission).

Allele frequency attached by ClinVar (database versions not stated): gnomAD exomes below 0.00001.
gnomAD v4.1: 2 of 1,611,602 alleles (0.00012%); highest among the groups gnomAD compares: South Asian, 0.0022%; no homozygotes.

Submission:

Labcorp Genetics (formerly Invitae), Labcorp
Classification: Uncertain significance. Last evaluated: 2022-03-26. Review status: criteria provided, single submitter. Criteria: Invitae Variant Classification Sherloc (09022015). Collection method: clinical testing. Allele origin: germline.
Comment: This sequence change replaces serine, which is neutral and polar, with arginine, which is basic and polar, at codon 366 of the RCBTB1 protein (p.Ser366Arg). This variant is present in population databases (no rsID available, gnomAD 0.003%). This variant has not been reported in the literature in individuals affected with RCBTB1-related conditions. Algorithms developed to predict the effect of missense changes on protein structure and function are either unavailable or do not agree on the potential impact of this missense change (SIFT: "Deleterious"; PolyPhen-2: "Benign"; Align-GVGD: "Class C0"). In summary, the available evidence is currently insufficient to determine the role of this variant in disease. Therefore, it has been classified as a Variant of Uncertain Significance.

NM_018191.4(RCBTB1):c.1096A>C (p.Ser366Arg)

Gene: RCBTB1 (RCC1 and BTB domain containing protein 1; minus strand). Cytogenetic location: 13q14.2.
Variant type: single nucleotide variant.
Coding change: c.1096A>C on transcript NM_018191.4 (MANE Select); coding-DNA position 1096, A replaced by C.
Protein change: p.Ser366Arg; replaces serine 366 with arginine.
Molecular consequence: missense variant. On other transcripts: non-coding transcript variant (2).
Genome position (GRCh38, 1-based): chr13:49,544,813, T>G on the plus strand (A>C on the coding strand, the complement: RCBTB1 is on the minus strand). VCF-style: chr13-49544813-T-G. GRCh37 (hg19) VCF-style: chr13-50118949-T-G.
Other names: c.1096A>C, p.Ser366Arg (NM_001352500.2, NM_001352501.2, NM_001352502.2 and 2 more transcripts); c.517A>C, p.Ser173Arg (NM_001352506.2); short protein forms S366R, S173R.
Identifiers: ClinVar variation 1977166 (VCV001977166.2), dbSNP rs1367100936, ClinGen allele CA388188528.